The following is an entry in ClinVar:

NM_001005161.3(OR52B4):c.121del (p.Leu41fs)

Gene: OR52B4 (olfactory receptor family 52 subfamily B member 4; minus strand). Cytogenetic location: 11p15.4.
Variant type: Deletion.
Coding change: c.121del on transcript NM_001005161.3 (MANE Select); coding-DNA position 121, one base deleted (C; older notation c.121delC).
Protein change: p.Leu41fs; shifts the reading frame from leucine 41.
Molecular consequence: frameshift variant.
Genome position (GRCh38, 1-based): chr11:4,368,175, G deleted on the plus strand (C on the coding strand, the reverse complement: OR52B4 is on the minus strand); the first of 3 consecutive G bases (chr11:4,368,175-4,368,177); deleting any one gives the same sequence. VCF-style (leftmost placement, unchanged base first): chr11-4368174-AG-A. GRCh37 (hg19) VCF-style: chr11-4389404-AG-A.
Other names: c.121delC (NM_001005161.3); short protein forms L41fs.
Identifiers: ClinVar variation 403276 (VCV000403276.4), dbSNP rs11310407, ClinGen allele CA5831449.

ClinVar aggregate classification (germline): Benign (1 of 4 stars; one submission).

Submission:

Laboratory for Molecular Medicine, Mass General Brigham Personalized Medicine
Classification: Benign. Last evaluated: 2016-03-28. Review status: criteria provided, single submitter. Criteria: LMM Criteria. Collection method: clinical testing. Allele origin: germline.
Comment: Variant identified in a genome or exome case(s) and assessed due to predicted null impact of the variant or pathogenic assertions in the literature or databases. Disclaimer: This variant has not undergone full assessment. The following are preliminary notes: Frequency in 1000Genomes: 716/2178=32.87%